The following is an entry in ClinVar:

ClinVar aggregate classification (germline): Uncertain significance (1 of 4 stars; one submission).

Conditions:
Hereditary cancer-predisposing syndrome. Also called: Hereditary neoplastic syndrome; Neoplastic Syndromes, Hereditary; Tumor predisposition; Hereditary Cancer Syndrome. Identifiers: Orphanet 140162, MedGen C0027672, MeSH D009386, MONDO:0015356.

Submission:

Ambry Genetics
Classification: Uncertain significance for Hereditary cancer-predisposing syndrome. Last evaluated: 2019-05-09. Review status: criteria provided, single submitter. Criteria: Ambry Variant Classification Scheme 2023. Collection method: clinical testing. Allele origin: germline.
Comment: The p.L2270I variant (also known as c.6808C>A) is located in coding exon 46 of the ATM gene. The leucine at codon 2270 is replaced by isoleucine, an amino acid with highly similar properties. This change occurs in the first base pair of coding exon 46. This amino acid position is highly conserved in available vertebrate species. In addition, the in silico prediction for this alteration is inconclusive. Since supporting evidence is limited at this time, the clinical significance of this alteration remains unclear.

NM_000051.4(ATM):c.6808C>A (p.Leu2270Ile)

Genes: C11orf65 (chromosome 11 open reading frame 65; minus strand), ATM (ATM serine/threonine kinase; plus strand). Cytogenetic location: 11q22.3.
Variant type: single nucleotide variant.
Coding change: c.6808C>A on transcript NM_000051.4 (MANE Select); coding-DNA position 6808, C replaced by A.
Protein change: p.Leu2270Ile; replaces leucine 2270 with isoleucine.
Molecular consequence: missense variant. On other transcripts: intron variant (2).
Genome position (GRCh38, 1-based): chr11:108,326,058, C>A. VCF-style: chr11-108326058-C-A. GRCh37 (hg19) VCF-style: chr11-108196785-C-A.
Other names: c.6808C>A, p.Leu2270Ile (NM_001351834.2); c.641-16987G>T (NM_001330368.2); c.*38+9162G>T (NM_001351110.2); short protein forms L2270I.
Identifiers: ClinVar variation 1755554 (VCV001755554.2), dbSNP rs2085645038, ClinGen allele CA382556423.